The following is an entry in ClinVar:

NM_001903.5(CTNNA1):c.2574A>G (p.Ser858=)

Gene: CTNNA1 (catenin alpha 1; plus strand). Cytogenetic location: 5q31.2.
Variant type: single nucleotide variant.
Coding change: c.2574A>G on transcript NM_001903.5 (MANE Select); coding-DNA position 2574, A replaced by G.
Protein change: p.Ser858=; no amino-acid change (serine 858 retained).
Molecular consequence: synonymous variant. On other transcripts: 3 prime UTR variant (5).
Genome position (GRCh38, 1-based): chr5:138,933,942, A>G. VCF-style: chr5-138933942-A-G. GRCh37 (hg19) VCF-style: chr5-138269631-A-G.
Other names: c.*119A>G (NM_001290307.3, NM_001324002.1, NM_001324003.1 and 2 more transcripts); c.2265A>G, p.Ser755= (NM_001290309.3); c.2205A>G, p.Ser735= (NM_001290310.3); c.1464A>G, p.Ser488= (NM_001290312.1, NM_001323987.1, NM_001323988.1 and 12 more transcripts); c.2574A>G, p.Ser858= (NM_001323982.2, NM_001323983.1, NM_001323984.2); c.2547A>G, p.Ser849= (NM_001323985.2); c.2481A>G, p.Ser827= (NM_001323986.2); c.1329A>G, p.Ser443= (NM_001324001.1); and 3 more.
Identifiers: ClinVar variation 3610768 (VCV003610768.3).
Genomic context (GRCh38, chr5:138,933,942, plus strand): 5'-CGCCTCTACCAAATACCAAAAGTCACAGGGTATGGCTTCCCTCAACCTTCCTGCTGTGTC[A>G]TGGAAGATGAAGGCACCAGAGAAAAAGCCATTGGTGAAGAGAGAGAAACAGGATGAGACA-3'
Protein context (NP_001894.2, residues 848-868): GMASLNLPAV[Ser858=]WKMKAPEKKP

ClinVar aggregate classification (germline): Benign/Likely benign. Review status: criteria provided, multiple submitters, no conflicts (2 of 4 stars). 2 submissions from 2 submitters: Benign (1); Likely benign (1). Last evaluated 2024-10-18.

Conditions:
Hereditary diffuse gastric adenocarcinoma (HDGC). Also called: DIFFUSE GASTRIC AND LOBULAR BREAST CANCER SYNDROME. Identifiers: Orphanet 26106, MedGen C1708349, MONDO:0007648, OMIM 137215.

Submissions (2):

Labcorp Genetics (formerly Invitae), Labcorp
Classification: Likely benign. Last evaluated: 2024-10-18. Review status: criteria provided, single submitter. Criteria: Invitae Variant Classification Sherloc (09022015). Collection method: clinical testing. Allele origin: germline.

Myriad Genetics, Inc.
Classification: Benign for Hereditary diffuse gastric adenocarcinoma. Last evaluated: 2024-10-15. Review status: criteria provided, single submitter. Criteria: Myriad Autosomal Dominant, Autosomal Recessive and X-Linked Classification Criteria (2023). Collection method: clinical testing. Allele origin: unknown.
Comment: This variant is considered benign. This variant is a silent/synonymous amino acid change and it is not expected to impact splicing.